The following is an entry in ClinVar:

ClinVar aggregate classification (germline): Uncertain significance (1 of 4 stars; one submission).

Submission:

Ambry Genetics
Classification: Uncertain significance. Last evaluated: 2021-12-11. Review status: criteria provided, single submitter. Criteria: Ambry Variant Classification Scheme 2023. Collection method: clinical testing. Allele origin: germline.
Comment: The p.A994D variant (also known as c.2981C>A), located in coding exon 4 of the ALPK2 gene, results from a C to A substitution at nucleotide position 2981. The alanine at codon 994 is replaced by aspartic acid, an amino acid with dissimilar properties. This amino acid position is conserved. In addition, this alteration is predicted to be tolerated by in silico analysis. Since supporting evidence is limited at this time, the clinical significance of this alteration remains unclear.

NM_052947.4(ALPK2):c.2981C>A (p.Ala994Asp)

Gene: ALPK2 (alpha kinase 2; minus strand). Cytogenetic location: 18q21.31.
Variant type: single nucleotide variant.
Coding change: c.2981C>A on transcript NM_052947.4 (MANE Select); coding-DNA position 2981, C replaced by A.
Protein change: p.Ala994Asp; replaces alanine 994 with aspartic acid.
Molecular consequence: missense variant.
Genome position (GRCh38, 1-based): chr18:58,537,206, G>T on the plus strand (C>A on the coding strand, the complement: ALPK2 is on the minus strand). VCF-style: chr18-58537206-G-T. GRCh37 (hg19) VCF-style: chr18-56204438-G-T.
Other names: short protein forms A994D.
Identifiers: ClinVar variation 1798406 (VCV001798406.2), dbSNP rs2518877025, ClinGen allele CA402569360.